The following is an entry in ClinVar:

ClinVar aggregate classification (germline): Conflicting classifications of pathogenicity. Review status: criteria provided, conflicting classifications (1 of 4 stars). 5 submissions from 5 submitters: Uncertain significance (4); Likely benign (1). Last evaluated 2025-01-21.

Conditions:
Cardiovascular phenotype. Identifiers: MedGen CN230736.
Cardiomyopathy (CMYO). Also called: Cardiomyopathies. Identifiers: Orphanet 167848, MedGen C0878544, MONDO:0004994, HP:0001638. Inheritance: Various modes of inheritance.
Left ventricular noncompaction 10 (LVNC10). Identifiers: Orphanet 154, Orphanet 54260, MedGen C3715165, MONDO:0014163, OMIM 615396.
Hypertrophic cardiomyopathy 4. Also called: Familial hypertrophic cardiomyopathy 4. Identifiers: MedGen C1861862, MONDO:0007268, OMIM 115197.
Hypertrophic cardiomyopathy. Also called: HYPERTROPHIC MYOCARDIOPATHY. Identifiers: Orphanet 217569, MedGen C0007194, MeSH D002312, MONDO:0005045, HP:0001639.

Allele frequency attached by ClinVar (database versions not stated): ExAC 0.00001; gnomAD exomes 0.00001; TOPMed 0.00001.

Submissions (5):

Labcorp Genetics (formerly Invitae), Labcorp
Classification: Uncertain significance for Hypertrophic cardiomyopathy. Last evaluated: 2025-01-21. Review status: criteria provided, single submitter. Criteria: Invitae Variant Classification Sherloc (09022015). Collection method: clinical testing. Allele origin: germline.
Comment: This sequence change replaces proline, which is neutral and non-polar, with serine, which is neutral and polar, at codon 459 of the MYBPC3 protein (p.Pro459Ser). This variant is present in population databases (rs758901980, gnomAD 0.009%). This variant has not been reported in the literature in individuals affected with MYBPC3-related conditions. ClinVar contains an entry for this variant (Variation ID: 915781). An algorithm developed to predict the effect of missense changes on protein structure and function outputs the following: PolyPhen-2: "Benign". The serine amino acid residue is found in multiple mammalian species, which suggests that this missense change does not adversely affect protein function. In summary, the available evidence is currently insufficient to determine the role of this variant in disease. Therefore, it has been classified as a Variant of Uncertain Significance.

All of Us Research Program, National Institutes of Health
Classification: Uncertain significance for Hypertrophic cardiomyopathy. Last evaluated: 2024-03-24. Review status: criteria provided, single submitter. Criteria: ACMG Guidelines, 2015. Collection method: clinical testing. Allele origin: germline. Inheritance: Autosomal dominant inheritance. Observed: 1 variant allele, 1 heterozygote.
Comment: This missense variant replaces proline with serine at codon 459 of the MYBPC3 protein. Computational prediction tools indicate that this variant has a neutral impact on protein structure and function. To our knowledge, functional studies have not been reported for this variant. This variant has not been reported in individuals affected with MYBPC3-related disorders in the literature. This variant has been identified in 3/245538 chromosomes in the general population by the Genome Aggregation Database (gnomAD). The available evidence is insufficient to determine the role of this variant in disease conclusively. Therefore, this variant is classified as a Variant of Uncertain Significance.

This study involves interpretation of variants in research participants for the purpose of population health screening. Participant phenotype was not available at the time of variant classification. Additional details can be found in publication PMID: 35346344, PMCID: PMC8962531

Ambry Genetics
Classification: Likely benign for Cardiovascular phenotype. Last evaluated: 2023-11-28. Review status: criteria provided, single submitter. Criteria: Ambry Variant Classification Scheme 2023. Collection method: clinical testing. Allele origin: germline.

Fulgent Genetics
Classification: Uncertain significance for Hypertrophic cardiomyopathy 4; Left ventricular noncompaction 10. Last evaluated: 2021-08-26. Review status: criteria provided, single submitter. Criteria: ACMG Guidelines, 2015. Collection method: clinical testing. Allele origin: unknown.

CHEO Genetics Diagnostic Laboratory, Children's Hospital of Eastern Ontario
Classification: Uncertain significance for Cardiomyopathy. Last evaluated: 2018-03-15. Review status: criteria provided, single submitter. Criteria: ACMG Guidelines, 2015. Collection method: clinical testing. Allele origin: germline.

NM_000256.3(MYBPC3):c.1375C>T (p.Pro459Ser)

Gene: MYBPC3 (myosin binding protein C3; minus strand). Cytogenetic location: 11p11.2.
Variant type: single nucleotide variant.
Coding change: c.1375C>T on transcript NM_000256.3 (MANE Select); coding-DNA position 1375, C replaced by T.
Protein change: p.Pro459Ser; replaces proline 459 with serine.
Molecular consequence: missense variant.
Genome position (GRCh38, 1-based): chr11:47,342,912, G>A on the plus strand (C>T on the coding strand, the complement: MYBPC3 is on the minus strand). VCF-style: chr11-47342912-G-A. GRCh37 (hg19) VCF-style: chr11-47364463-G-A.
Other names: short protein forms P459S.
Identifiers: ClinVar variation 915781 (VCV000915781.12), dbSNP rs758901980, ClinGen allele CA078058.
Genomic context (GRCh38, chr11:47,342,912, plus strand): 5'-CCGATACTTCACACTCAAACTCCACCCGCTGCCCCACCATCACCAGCTGGTCCTCCAAGG[G>A]GCGCGTGATGAGCACAGGGGGCTCTGTCCAGGCAGGGTGAGCATGAGGGTTGGCTCCCCT-3'
Protein context (NP_000247.2, residues 449-469): VKEPPVLITR[Pro459Ser]LEDQLVMVGQ